The following is an entry in ClinVar:

NM_001321967.2(ATAD1):c.679C>A (p.His227Asn)

Gene: ATAD1 (ATPase family AAA domain containing 1; minus strand). Cytogenetic location: 10q23.31.
Variant type: single nucleotide variant.
Coding change: c.679C>A on transcript NM_001321967.2 (MANE Select); coding-DNA position 679, C replaced by A.
Protein change: p.His227Asn; replaces histidine 227 with asparagine.
Molecular consequence: missense variant. On other transcripts: non-coding transcript variant (1).
Genome position (GRCh38, 1-based): chr10:87,776,332, G>T on the plus strand (C>A on the coding strand, the complement: ATAD1 is on the minus strand). VCF-style: chr10-87776332-G-T. GRCh37 (hg19) VCF-style: chr10-89536089-G-T.
Other names: c.679C>A, p.His227Asn (NM_001321968.2, NM_032810.4); c.322C>A, p.His108Asn (NM_001321969.2); c.679C>A (NM_032810.2); short protein forms H227N, H108N.
Identifiers: ClinVar variation 1489170 (VCV001489170.8), dbSNP rs756865878, ClinGen allele CA5590035.

ClinVar aggregate classification (germline): Uncertain significance. Review status: criteria provided, multiple submitters, no conflicts (2 of 4 stars). 3 submissions from 3 submitters: Uncertain significance (3). Last evaluated 2025-09-05.

Conditions:
Inborn genetic diseases. Identifiers: MedGen C0950123, MeSH D030342.

Allele frequency attached by ClinVar (database versions not stated): gnomAD exomes 0.00001 and 0.00002; ExAC 0.00002; gnomAD 0.00003 and 0.00004; TOPMed 0.00004.
gnomAD v4.1: 14 of 1,612,034 alleles (0.00087%); highest among the groups gnomAD compares: Admixed American, 0.0067%; no homozygotes.

Submissions (3):

Ambry Genetics
Classification: Uncertain significance for Inborn genetic diseases. Last evaluated: 2025-09-05. Review status: criteria provided, single submitter. Criteria: Ambry Variant Classification Scheme 2023. Collection method: clinical testing. Allele origin: germline.

Labcorp Genetics (formerly Invitae), Labcorp
Classification: Uncertain significance. Last evaluated: 2024-10-21. Review status: criteria provided, single submitter. Criteria: Invitae Variant Classification Sherloc (09022015). Collection method: clinical testing. Allele origin: germline.
Comment: This sequence change replaces histidine, which is basic and polar, with asparagine, which is neutral and polar, at codon 227 of the ATAD1 protein (p.His227Asn). This variant is present in population databases (rs756865878, gnomAD 0.009%). This variant has not been reported in the literature in individuals affected with ATAD1-related conditions. ClinVar contains an entry for this variant (Variation ID: 1489170). An algorithm developed to predict the effect of missense changes on protein structure and function (PolyPhen-2) suggests that this variant¬†is likely to be tolerated. In summary, the available evidence is currently insufficient to determine the role of this variant in disease. Therefore, it has been classified as a Variant of Uncertain Significance.

Breakthrough Genomics
Classification: Uncertain significance. Review status: criteria provided, single submitter. Criteria: ACMG Guidelines, 2015. Collection method: not provided. Allele origin: germline. Inheritance: Autosomal recessive inheritance. Affected: yes.